The following is an entry in ClinVar:

ClinVar aggregate classification (germline): Uncertain significance (1 of 4 stars; one submission).

Conditions:
Diffuse cerebral and cerebellar atrophy - intractable seizures - progressive microcephaly syndrome. Also called: Microcephaly, progressive, with seizures and cerebral and cerebellar atrophy. Identifiers: Orphanet 404437, MedGen C4014239, MONDO:0014335, OMIM 615760.

Allele frequency attached by ClinVar (database versions not stated): gnomAD exomes below 0.00001; TOPMed below 0.00001.

Submission:

Labcorp Genetics (formerly Invitae), Labcorp
Classification: Uncertain significance for Diffuse cerebral and cerebellar atrophy - intractable seizures - progressive microcephaly syndrome. Last evaluated: 2022-07-01. Review status: criteria provided, single submitter. Criteria: Invitae Variant Classification Sherloc (09022015). Collection method: clinical testing. Allele origin: germline.
Comment: In summary, the available evidence is currently insufficient to determine the role of this variant in disease. Therefore, it has been classified as a Variant of Uncertain Significance. Algorithms developed to predict the effect of missense changes on protein structure and function are either unavailable or do not agree on the potential impact of this missense change (SIFT: "Deleterious"; PolyPhen-2: "Possibly Damaging"; Align-GVGD: "Class C0"). This variant has not been reported in the literature in individuals affected with QARS-related conditions. This variant is not present in population databases (gnomAD no frequency). This sequence change replaces isoleucine, which is neutral and non-polar, with methionine, which is neutral and non-polar, at codon 590 of the QARS protein (p.Ile590Met).

NM_005051.3(QARS1):c.1770C>G (p.Ile590Met)

Gene: QARS1 (glutaminyl-tRNA synthetase 1; minus strand). Cytogenetic location: 3p21.31.
Variant type: single nucleotide variant.
Coding change: c.1770C>G on transcript NM_005051.3 (MANE Select); coding-DNA position 1770, C replaced by G.
Protein change: p.Ile590Met; replaces isoleucine 590 with methionine.
Molecular consequence: missense variant. On other transcripts: non-coding transcript variant (1).
Genome position (GRCh38, 1-based): chr3:49,098,978, G>C on the plus strand (C>G on the coding strand, the complement: QARS1 is on the minus strand). VCF-style: chr3-49098978-G-C. GRCh37 (hg19) VCF-style: chr3-49136411-G-C.
Other names: c.1737C>G, p.Ile579Met (NM_001272073.2); short protein forms I590M, I579M.
Identifiers: ClinVar variation 2108179 (VCV002108179.4), dbSNP rs1204185581, ClinGen allele CA352701581.